The following is an entry in ClinVar:

ClinVar aggregate classification (germline): Uncertain significance. Review status: criteria provided, multiple submitters, no conflicts (2 of 4 stars). 5 submissions from 5 submitters: Uncertain significance (5). Last evaluated 2026-03-16.

Conditions:
FANCI-related disorder. Also called: FANCI-related condition.
Fanconi anemia (FA). Also called: Fanconi's anemia. Identifiers: Orphanet 84, MedGen C0015625, MeSH D005199, MONDO:0019391.
Fanconi anemia complementation group I (FANCI). Also called: FANCI-Related Fanconi Anemia. Identifiers: Orphanet 84, MedGen C1836861, MONDO:0012186, OMIM 609053.

Allele frequency attached by ClinVar (database versions not stated): ExAC 0.00001; gnomAD exomes 0.00002 and 0.00006; gnomAD 0.00007; ESP Exome Variant Server 0.00008; TOPMed 0.00015.
gnomAD v4.1: 42 of 1,611,664 alleles (0.0026%); highest among the groups gnomAD compares: Admixed American, 0.045%; no homozygotes.

Submissions (5):

PreventionGenetics, part of Exact Sciences
Classification: Uncertain significance for FANCI-related condition. Last evaluated: 2026-03-16. Review status: criteria provided, single submitter. Criteria: ACMG Guidelines, 2015. Collection method: clinical testing. Allele origin: germline.
Comment: The FANCI c.3946G>A variant is predicted to result in the amino acid substitution p.Gly1316Arg. This variant has been reported, together with FANCI c.3493del, p.Asp1165Thrfs*34, as a germline variant in an individual with head and neck squamous cell carcinoma (Chandrasekharappa et al. 2017. PubMed ID: 28678401). This variant is reported in 0.040% of alleles in individuals of Latino descent in gnomAD. This variant could be pathogenic. However, at this time, the clinical significance of this variant is uncertain due to the absence of conclusive functional and genetic evidence.

Labcorp Genetics (formerly Invitae), Labcorp
Classification: Uncertain significance for Fanconi anemia. Last evaluated: 2026-02-01. Review status: criteria provided, single submitter. Criteria: Invitae Variant Classification Sherloc (09022015). Collection method: clinical testing. Allele origin: germline.
Comment: This sequence change replaces glycine, which is neutral and non-polar, with arginine, which is basic and polar, at codon 1316 of the FANCI protein (p.Gly1316Arg). This variant is present in population databases (rs369058619, gnomAD 0.04%). This variant has not been reported in the literature in individuals affected with FANCI-related conditions. This missense change has been observed to co-occur in individuals with a different variant in FANCI that has been determined to be pathogenic (internal data), but the significance of this finding is unclear. ClinVar contains an entry for this variant (Variation ID: 408231). An algorithm developed to predict the effect of missense changes on protein structure and function outputs the following: PolyPhen-2: "Benign". The arginine amino acid residue is found in multiple mammalian species, which suggests that this missense change does not adversely affect protein function. In summary, the available evidence is currently insufficient to determine the role of this variant in disease. Therefore, it has been classified as a Variant of Uncertain Significance.

AiLife Diagnostics
Classification: Uncertain significance. Last evaluated: 2021-06-11. Review status: criteria provided, single submitter. Criteria: ACMG Guidelines, 2015. Collection method: clinical testing. Allele origin: germline. Affected: yes. Observed: 1 variant allele.

Fulgent Genetics
Classification: Uncertain significance for Fanconi anemia complementation group I. Last evaluated: 2018-10-31. Review status: criteria provided, single submitter. Criteria: ACMG Guidelines, 2015. Collection method: clinical testing. Allele origin: unknown.

Breakthrough Genomics
Classification: Uncertain significance. Review status: criteria provided, single submitter. Criteria: ACMG Guidelines, 2015. Collection method: not provided. Allele origin: germline. Inheritance: Autosomal recessive inheritance. Affected: yes.

NM_001113378.2(FANCI):c.3946G>A (p.Gly1316Arg)

Genes: FANCI (FA complementation group I; plus strand), POLG (DNA polymerase gamma, catalytic subunit; minus strand). Cytogenetic location: 15q26.1.
Variant type: single nucleotide variant.
Coding change: c.3946G>A on transcript NM_001113378.2 (MANE Select); coding-DNA position 3946, G replaced by A.
Protein change: p.Gly1316Arg; replaces glycine 1316 with arginine.
Molecular consequence: missense variant. On other transcripts: 3 prime UTR variant (2).
Genome position (GRCh38, 1-based): chr15:89,316,418, G>A. VCF-style: chr15-89316418-G-A. GRCh37 (hg19) VCF-style: chr15-89859649-G-A.
Other names: c.*333C>T (NM_001126131.2, NM_002693.3); c.3667G>A, p.Gly1223Arg (NM_001376910.1); c.3946G>A, p.Gly1316Arg (NM_001376911.1); c.3766G>A, p.Gly1256Arg (NM_018193.3); short protein forms G1316R, G1256R, G1223R.
Identifiers: ClinVar variation 408231 (VCV000408231.12), dbSNP rs369058619, ClinGen allele CA7723992.